The following is an entry in ClinVar:

NM_033004.4(NLRP1):c.316G>A (p.Gly106Arg)

Gene: NLRP1 (NLR family pyrin domain containing 1; minus strand). Cytogenetic location: 17p13.2.
Variant type: single nucleotide variant.
Coding change: c.316G>A on transcript NM_033004.4 (MANE Select); coding-DNA position 316, G replaced by A.
Protein change: p.Gly106Arg; replaces glycine 106 with arginine.
Molecular consequence: missense variant.
Genome position (GRCh38, 1-based): chr17:5,582,802, C>T on the plus strand (G>A on the coding strand, the complement: NLRP1 is on the minus strand). VCF-style: chr17-5582802-C-T. GRCh37 (hg19) VCF-style: chr17-5486122-C-T.
Other names: p.Gly106Arg; c.316G>A, p.Gly106Arg (NM_001033053.3, NM_014922.5, NM_033006.4 and 1 more transcripts); short protein forms G106R.
Identifiers: ClinVar variation 770795 (VCV000770795.56), dbSNP rs72827640, ClinGen allele CA8327606.

ClinVar aggregate classification (germline): Benign/Likely benign. Review status: criteria provided, multiple submitters, no conflicts (2 of 4 stars). 8 submissions from 8 submitters: Benign (2); Likely benign (6). Last evaluated 2026-06-10.

Conditions:
Vitiligo-associated multiple autoimmune disease susceptibility 1 (VAMAS1). Also called: SYSTEMIC LUPUS ERYTHEMATOSUS, VITILIGO-RELATED. Identifiers: Orphanet 247871, MedGen C1847835, MONDO:0011684, OMIM 606579.
Corneal intraepithelial dyskeratosis-palmoplantar hyperkeratosis-laryngeal dyskeratosis syndrome. Also called: Palmoplantar carcinoma, multiple self-healing. Identifiers: Orphanet 352662, MedGen C3808876, MONDO:0014089, OMIM 615225.
Respiratory papillomatosis, juvenile recurrent, congenital. Identifiers: MedGen C5394112, MONDO:0032925, OMIM 618803.
Autoinflammation with arthritis and dyskeratosis (AIADK). Identifiers: MedGen C4479278, MONDO:0060457, OMIM 617388.

Allele frequency attached by ClinVar (database versions not stated): 1000 Genomes Project 0.00100; 1000 Genomes Project 30x 0.00109; gnomAD exomes 0.00291 and 0.00508; ExAC 0.00297; TOPMed 0.00320; gnomAD 0.00322 and 0.00324; ESP Exome Variant Server 0.00438.

Submissions (8):

Women's Health and Genetics/Laboratory Corporation of America, LabCorp
Classification: Benign. Last evaluated: 2026-06-10. Review status: criteria provided, single submitter. Criteria: LabCorp Variant Classification Summary - May 2015. Collection method: clinical testing. Allele origin: germline.
Comment: Variant summary: NLRP1 c.316G>A (p.Gly106Arg) results in a non-conservative amino acid change in the encoded protein sequence. Algorithms developed to predict the effect of missense changes on protein structure and function are either unavailable or do not agree on the potential impact of this missense change. The variant allele was found at a frequency of 0.0029 in 250366 control chromosomes in the gnomAD database, including 1 homozygote. The observed variant frequency exceeds the estimated maximal expected allele frequency for disease-causing variants in NLRP1, and the presence of homozygous control(s) is not consistent with the onset/severity of NLRP1-related conditions. To our knowledge, no occurrence of c.316G>A in individuals affected with NLRP1-related conditions and no experimental evidence demonstrating its impact on protein function have been reported. ClinVar contains an entry for this variant (Variation ID: 770795). Based on the evidence outlined above, the variant was classified as benign.

CeGaT Center for Human Genetics Tuebingen
Classification: Likely benign. Last evaluated: 2026-03-01. Review status: criteria provided, single submitter. Criteria: CeGaT Center For Human Genetics Tuebingen Variant Classification Criteria Version 2. Collection method: clinical testing. Allele origin: germline. Affected: yes. Observed: 16 variant alleles.
Comment: NLRP1: BP4, BS2

Labcorp Genetics (formerly Invitae), Labcorp
Classification: Likely benign. Last evaluated: 2026-02-01. Review status: criteria provided, single submitter. Criteria: Invitae Variant Classification Sherloc (09022015). Collection method: clinical testing. Allele origin: germline.

Mayo Clinic Laboratories, Mayo Clinic
Classification: Benign. Last evaluated: 2025-02-25. Review status: criteria provided, single submitter. Criteria: ACMG Guidelines, 2015. Collection method: clinical testing. Allele origin: germline. Observed: 3 variant alleles.
Comment: BS1, BS2, BP4_moderate

Blueprint Genetics
Classification: Likely benign. Last evaluated: 2024-11-22. Review status: criteria provided, single submitter. Criteria: ACMG Guidelines, 2015. Collection method: clinical testing. Allele origin: germline.

Fulgent Genetics
Classification: Likely benign for Vitiligo-associated multiple autoimmune disease susceptibility 1; Corneal intraepithelial dyskeratosis-palmoplantar hyperkeratosis-laryngeal dyskeratosis syndrome; Autoinflammation with arthritis and dyskeratosis; Respiratory papillomatosis, juvenile recurrent, congenital. Last evaluated: 2022-04-06. Review status: criteria provided, single submitter. Criteria: ACMG Guidelines, 2015. Collection method: clinical testing. Allele origin: unknown.

GeneDx
Classification: Likely benign. Last evaluated: 2019-08-29. Review status: criteria provided, single submitter. Criteria: GeneDx Variant Classification Process June 2021. Collection method: clinical testing. Allele origin: germline. Affected: yes.
Comment: This variant is associated with the following publications: (PMID: 32707200)

Breakthrough Genomics
Classification: Likely benign. Review status: criteria provided, single submitter. Criteria: ACMG Guidelines, 2015. Collection method: not provided. Allele origin: germline. Inheritance: Autosomal recessive inheritance. Affected: yes.

Literature cited by the submitters: PubMed 32707200 (cited by Mayo Clinic Laboratories, Mayo Clinic).